The following is an entry in ClinVar:

NM_001164665.2(KIAA1549):c.4163C>T (p.Ser1388Leu)

Gene: KIAA1549 (KIAA1549; minus strand). Cytogenetic location: 7q34.
Variant type: single nucleotide variant.
Coding change: c.4163C>T on transcript NM_001164665.2 (MANE Select); coding-DNA position 4163, C replaced by T.
Protein change: p.Ser1388Leu; replaces serine 1388 with leucine.
Molecular consequence: missense variant.
Genome position (GRCh38, 1-based): chr7:138,881,454, G>A on the plus strand (C>T on the coding strand, the complement: KIAA1549 is on the minus strand). VCF-style: chr7-138881454-G-A. GRCh37 (hg19) VCF-style: chr7-138566200-G-A.
Other names: c.4163C>T, p.Ser1388Leu (NM_020910.3); short protein forms S1388L.
Identifiers: ClinVar variation 1470026 (VCV001470026.8), dbSNP rs1419586011, ClinGen allele CA369377214.

ClinVar aggregate classification (germline): Uncertain significance (1 of 4 stars; one submission).

Allele frequency attached by ClinVar (database versions not stated): gnomAD exomes below 0.00001; TOPMed below 0.00001; gnomAD 0.00001.
gnomAD v4.1: 12 of 1,613,904 alleles (0.00074%); highest among the groups gnomAD compares: Admixed American, 0.0033%; no homozygotes.

Submission:

Labcorp Genetics (formerly Invitae), Labcorp
Classification: Uncertain significance. Last evaluated: 2020-11-19. Review status: criteria provided, single submitter. Criteria: Invitae Variant Classification Sherloc (09022015). Collection method: clinical testing. Allele origin: germline.
Comment: In summary, the available evidence is currently insufficient to determine the role of this variant in disease. Therefore, it has been classified as a Variant of Uncertain Significance. Algorithms developed to predict the effect of missense changes on protein structure and function (SIFT, PolyPhen-2, Align-GVGD) all suggest that this variant is likely to be disruptive, but these predictions have not been confirmed by published functional studies and their clinical significance is uncertain. This variant has not been reported in the literature in individuals with KIAA1549-related conditions. This variant is not present in population databases (ExAC no frequency). This sequence change replaces serine with leucine at codon 1388 of the KIAA1549 protein (p.Ser1388Leu). The serine residue is highly conserved and there is a large physicochemical difference between serine and leucine.